The following is an entry in ClinVar:

ClinVar aggregate classification (germline): Benign/Likely benign. Review status: criteria provided, multiple submitters, no conflicts (2 of 4 stars). 5 submissions from 5 submitters: Benign (1); Likely benign (3). 1 of the submissions does not count toward it. Last evaluated 2026-01-21.

Conditions:
KMT2D-related disorder. Also called: KMT2D-Related Disorders.
Kabuki syndrome. Also called: NIIKAWA-KUROKI SYNDROME; Kabuki make-up syndrome. Identifiers: Orphanet 2322, MedGen C0796004, MONDO:0016512.
Inborn genetic diseases. Identifiers: MedGen C0950123, MeSH D030342.

Allele frequency attached by ClinVar (database versions not stated): ExAC 0.00006; gnomAD exomes 0.00007; ESP Exome Variant Server 0.00016; TOPMed 0.00016; gnomAD 0.00017.

Submissions (5):

Labcorp Genetics (formerly Invitae), Labcorp
Classification: Benign for Kabuki syndrome. Last evaluated: 2026-01-21. Review status: criteria provided, single submitter. Criteria: Invitae Variant Classification Sherloc (09022015). Collection method: clinical testing. Allele origin: germline.

CeGaT Center for Human Genetics Tuebingen
Classification: Likely benign. Last evaluated: 2024-12-01. Review status: criteria provided, single submitter. Criteria: CeGaT Center For Human Genetics Tuebingen Variant Classification Criteria Version 2. Collection method: clinical testing. Allele origin: germline. Affected: yes. Observed: 1 variant allele.
Comment: KMT2D: BP4, BS1

Ambry Genetics
Classification: Likely benign for Inborn genetic diseases. Last evaluated: 2023-05-16. Review status: criteria provided, single submitter. Criteria: Ambry Variant Classification Scheme 2023. Collection method: clinical testing. Allele origin: germline.

GeneDx
Classification: Likely benign. Last evaluated: 2020-06-24. Review status: criteria provided, single submitter. Criteria: GeneDx Variant Classification Process June 2021. Collection method: clinical testing. Allele origin: germline. Affected: yes.

PreventionGenetics, part of Exact Sciences
Classification: Likely benign for KMT2D-related condition. Last evaluated: 2024-01-15. Review status: no assertion criteria provided. Collection method: clinical testing. Allele origin: germline. Not counted in ClinVar's aggregate classification.
Comment: This variant is classified as likely benign based on ACMG/AMP sequence variant interpretation guidelines (Richards et al. 2015 PMID: 25741868, with internal and published modifications).

NM_003482.4(KMT2D):c.13433G>A (p.Arg4478Gln)

Gene: KMT2D (lysine methyltransferase 2D; minus strand). Cytogenetic location: 12q13.12.
Variant type: single nucleotide variant.
Coding change: c.13433G>A on transcript NM_003482.4 (MANE Select); coding-DNA position 13433, G replaced by A.
Protein change: p.Arg4478Gln; replaces arginine 4478 with glutamine.
Molecular consequence: missense variant.
Genome position (GRCh38, 1-based): chr12:49,031,272, C>T on the plus strand (G>A on the coding strand, the complement: KMT2D is on the minus strand). VCF-style: chr12-49031272-C-T. GRCh37 (hg19) VCF-style: chr12-49425055-C-T.
Other names: short protein forms R4478Q.
Identifiers: ClinVar variation 1218748 (VCV001218748.29), dbSNP rs200156008, ClinGen allele CA6546026.